The following is an entry in ClinVar:

ClinVar aggregate classification (germline): Uncertain significance (1 of 4 stars; one submission).

Allele frequency attached by ClinVar (database versions not stated): TOPMed below 0.00001; ExAC 0.00002; gnomAD exomes 0.00004.
gnomAD v4.1: 10 of 1,613,064 alleles (0.00062%); highest among the groups gnomAD compares: Admixed American, 0.017%; no homozygotes.

Submission:

Labcorp Genetics (formerly Invitae), Labcorp
Classification: Uncertain significance. Last evaluated: 2022-09-06. Review status: criteria provided, single submitter. Criteria: Invitae Variant Classification Sherloc (09022015). Collection method: clinical testing. Allele origin: germline.
Comment: This variant is present in population databases (rs780215195, gnomAD 0.03%). In summary, the available evidence is currently insufficient to determine the role of this variant in disease. Therefore, it has been classified as a Variant of Uncertain Significance. Algorithms developed to predict the effect of missense changes on protein structure and function are either unavailable or do not agree on the potential impact of this missense change (SIFT: "Not Available"; PolyPhen-2: "Benign"; Align-GVGD: "Not Available"). ClinVar contains an entry for this variant (Variation ID: 1381678). This variant has not been reported in the literature in individuals affected with TOP3A-related conditions. This sequence change replaces phenylalanine, which is neutral and non-polar, with cysteine, which is neutral and slightly polar, at codon 126 of the TOP3A protein (p.Phe126Cys).

NM_004618.5(TOP3A):c.377T>G (p.Phe126Cys)

Gene: TOP3A (DNA topoisomerase III alpha; minus strand). Cytogenetic location: 17p11.2.
Variant type: single nucleotide variant.
Coding change: c.377T>G on transcript NM_004618.5 (MANE Select); coding-DNA position 377, T replaced by G.
Protein change: p.Phe126Cys; replaces phenylalanine 126 with cysteine.
Molecular consequence: missense variant.
Genome position (GRCh38, 1-based): chr17:18,306,904, A>C on the plus strand (T>G on the coding strand, the complement: TOP3A is on the minus strand). VCF-style: chr17-18306904-A-C. GRCh37 (hg19) VCF-style: chr17-18210218-A-C.
Other names: c.92T>G, p.Phe31Cys (NM_001320759.2); short protein forms F126C, F31C.
Identifiers: ClinVar variation 1381678 (VCV001381678.5), dbSNP rs780215195, ClinGen allele CA8430255.
Genomic context (GRCh38, chr17:18,306,904, plus strand): 5'-GACTCTGTGGTTTGACTCAGTGCCATATGTCTTCCAAAAGACCCTACCTTGATGTCTACA[A>C]AATTCTCTGGGCAGTACTTTTCAATTTCTGCTTCAAAGAGGACAAGAGGGTTGCAGCTCT-3'
Protein context (NP_004609.1, residues 116-136): AEIEKYCPEN[Phe126Cys]VDIKKTLERE